The following is an entry in ClinVar:

NM_001297.5(CNGB1):c.2893-8C>T

Gene: CNGB1 (cyclic nucleotide gated channel subunit beta 1; minus strand). Cytogenetic location: 16q21.
Variant type: single nucleotide variant.
Coding change: c.2893-8C>T on transcript NM_001297.5 (MANE Select); 8 bases into the intron before coding-DNA position 2893, C replaced by T.
Molecular consequence: intron variant.
Genome position (GRCh38, 1-based): chr16:57,901,443, G>A on the plus strand (C>T on the coding strand, the complement: CNGB1 is on the minus strand). VCF-style: chr16-57901443-G-A. GRCh37 (hg19) VCF-style: chr16-57935347-G-A.
Other names: c.2893-8C>T (NM_001297.4); c.2875-8C>T (NM_001286130.2).
Identifiers: ClinVar variation 1628378 (VCV001628378.10), dbSNP rs377216982, ClinGen allele CA8082768.

ClinVar aggregate classification (germline): Likely benign. Review status: criteria provided, multiple submitters, no conflicts (2 of 4 stars). 3 submissions from 3 submitters: Likely benign (3). Last evaluated 2026-03-27.

Conditions:
CNGB1-related disorder. Also called: CNGB1-related condition.

gnomAD v4.1: 30 of 1,614,064 alleles (0.0019%); highest among the groups gnomAD compares: African/African-American, 0.016%; no homozygotes.

Submissions (3):

PreventionGenetics, part of Exact Sciences
Classification: Likely benign for CNGB1-related condition. Last evaluated: 2026-03-27. Review status: criteria provided, single submitter. Criteria: ACMG Guidelines, 2015. Collection method: clinical testing. Allele origin: germline.
Comment: This variant is classified as likely benign based on ACMG/AMP sequence variant interpretation guidelines (Richards et al. 2015 PMID: 25741868, with internal and published modifications).

Labcorp Genetics (formerly Invitae), Labcorp
Classification: Likely benign. Last evaluated: 2025-12-23. Review status: criteria provided, single submitter. Criteria: Invitae Variant Classification Sherloc (09022015). Collection method: clinical testing. Allele origin: germline.

Blueprint Genetics
Classification: Likely benign. Last evaluated: 2021-08-30. Review status: criteria provided, single submitter. Criteria: ACMG Guidelines, 2015. Collection method: clinical testing. Allele origin: germline.